The following is an entry in ClinVar:

ClinVar aggregate classification (germline): Conflicting classifications of pathogenicity. Review status: criteria provided, conflicting classifications (1 of 4 stars). 2 submissions from 2 submitters: Likely pathogenic (1); Uncertain significance (1). Last evaluated 2023-12-10.

Conditions:
Tatton-Brown-Rahman overgrowth syndrome. Also called: Tall stature-intellectual disability-facial dysmorphism syndrome; Tatton-Brown-Rahman syndrome. Identifiers: Orphanet 404443, MedGen C4014545, MONDO:0014382, OMIM 615879.

Allele frequency attached by ClinVar (database versions not stated): gnomAD exomes 0.00001; gnomAD 0.00002; ExAC 0.00003.
gnomAD v4.1: 12 of 1,613,870 alleles (0.00074%); highest among the groups gnomAD compares: East Asian, 0.0022%; no homozygotes.

Submissions (2):

Labcorp Genetics (formerly Invitae), Labcorp
Classification: Uncertain significance for Tatton-Brown-Rahman overgrowth syndrome. Last evaluated: 2023-12-10. Review status: criteria provided, single submitter. Criteria: Invitae Variant Classification Sherloc (09022015). Collection method: clinical testing. Allele origin: germline.
Comment: This sequence change replaces arginine, which is basic and polar, with histidine, which is basic and polar, at codon 366 of the DNMT3A protein (p.Arg366His). The frequency data for this variant in the population databases is considered unreliable, as metrics indicate poor data quality at this position in the gnomAD database. This variant has not been reported in the literature in individuals affected with DNMT3A-related conditions. ClinVar contains an entry for this variant (Variation ID: 988466). Advanced modeling of protein sequence and biophysical properties (such as structural, functional, and spatial information, amino acid conservation, physicochemical variation, residue mobility, and thermodynamic stability) performed at Invitae indicates that this missense variant is not expected to disrupt DNMT3A protein function with a negative predictive value of 80%. In summary, the available evidence is currently insufficient to determine the role of this variant in disease. Therefore, it has been classified as a Variant of Uncertain Significance.

Clinical Genetics and Genomics, Karolinska University Hospital
Classification: Likely pathogenic. Last evaluated: 2016-03-18. Review status: criteria provided, single submitter. Criteria: ACMG Guidelines, 2015. Collection method: clinical testing. Allele origin: germline. Affected: yes. Observed: 1 variant allele.

NM_022552.5(DNMT3A):c.1097G>A (p.Arg366His)

Gene: DNMT3A (DNA methyltransferase 3 alpha; minus strand). Cytogenetic location: 2p23.3.
Variant type: single nucleotide variant.
Coding change: c.1097G>A on transcript NM_022552.5 (MANE Select); coding-DNA position 1097, G replaced by A.
Protein change: p.Arg366His; replaces arginine 366 with histidine.
Molecular consequence: missense variant. On other transcripts: non-coding transcript variant (1).
Genome position (GRCh38, 1-based): chr2:25,247,076, C>T on the plus strand (G>A on the coding strand, the complement: DNMT3A is on the minus strand). VCF-style: chr2-25247076-C-T. GRCh37 (hg19) VCF-style: chr2-25469945-C-T.
Other names: c.641G>A, p.Arg214His (NM_001320893.1); c.428G>A, p.Arg143His (NM_001375819.1); c.530G>A, p.Arg177His (NM_153759.3); c.1097G>A, p.Arg366His (NM_175629.2); short protein forms R143H, R177H, R214H, R366H.
Identifiers: ClinVar variation 988466 (VCV000988466.4), dbSNP rs767236033, ClinGen allele CA1556167.